The following is an entry in ClinVar:

NM_014679.5(CEP57):c.815C>T (p.Ser272Phe)

Gene: CEP57 (centrosomal protein 57; plus strand). Cytogenetic location: 11q21.
Variant type: single nucleotide variant.
Coding change: c.815C>T on transcript NM_014679.5 (MANE Select); coding-DNA position 815, C replaced by T.
Protein change: p.Ser272Phe; replaces serine 272 with phenylalanine.
Molecular consequence: missense variant. On other transcripts: intron variant (1).
Genome position (GRCh38, 1-based): chr11:95,822,506, C>T. VCF-style: chr11-95822506-C-T. GRCh37 (hg19) VCF-style: chr11-95555670-C-T.
Other names: c.788C>T, p.Ser263Phe (NM_001243776.2); c.734C>T, p.Ser245Phe (NM_001363604.2); c.807+528C>T (NM_001243777.2); short protein forms S263F, S272F, S245F.
Identifiers: ClinVar variation 4001023 (VCV004001023.1).
Genomic context (GRCh38, chr11:95,822,506, plus strand): 5'-TTTTTATTATCATGTGAATAAAATAAAATTGTTTTCCTTTTCTTTTCATTCAGAAAAGTT[C>T]TAGGAACTATTTTGGTGCACAACCACATTATAGATTATGCTTGGGTGATATGCCATTTGT-3'
Protein context (NP_055494.2, residues 262-282): KKSKPPEKKS[Ser272Phe]RNYFGAQPHY

ClinVar aggregate classification (germline): Uncertain significance (1 of 4 stars; one submission).

Conditions:
Inborn genetic diseases. Identifiers: MedGen C0950123, MeSH D030342.

Submission:

Ambry Genetics
Classification: Uncertain significance for Inborn genetic diseases. Last evaluated: 2025-04-25. Review status: criteria provided, single submitter. Criteria: Ambry Variant Classification Scheme 2023. Collection method: clinical testing. Allele origin: germline.
Comment: The p.S272F variant (also known as c.815C>T), located in coding exon 8 of the CEP57 gene, results from a C to T substitution at nucleotide position 815. The serine at codon 272 is replaced by phenylalanine, an amino acid with highly dissimilar properties. This amino acid position is conserved. In addition, this alteration is predicted to be tolerated by in silico analysis. Based on the available evidence, the clinical significance of this variant remains unclear.